The following is an entry in ClinVar:

NM_000501.4(ELN):c.295_296del (p.Ala99fs)

Gene: ELN (elastin; plus strand). Cytogenetic location: 7q11.23.
Variant type: Deletion.
Coding change: c.295_296del on transcript NM_000501.4 (MANE Select); coding-DNA positions 295 to 296, 2 bases deleted (GC; older notation c.295_296delGC).
Protein change: p.Ala99fs; shifts the reading frame from alanine 99.
Molecular consequence: frameshift variant.
Genome position (GRCh38, 1-based): chr7:74,042,676-74,042,677, GC deleted; deleting any 2 consecutive bases within chr7:74,042,675-74,042,677 gives the same sequence; the c. name uses the placement nearest the transcript's 3' end. VCF-style (leftmost placement, unchanged base first): chr7-74042674-ACG-A. GRCh37 (hg19) VCF-style: chr7-73457004-ACG-A.
Other names: c.295_296delGC (NM_000501.2); c.265_266del, p.Ala89fs (NM_001081752.3, NM_001278914.2, NM_001278917.2 and 1 more transcripts); c.295_296del, p.Ala99fs (NM_001081753.3, NM_001081754.3, NM_001081755.3 and 4 more transcripts); c.259_260del, p.Ala87fs (NM_001278913.2); c.295_296del (NM_000501.2); short protein forms A89fs, A99fs, A87fs.
Identifiers: ClinVar variation 524086 (VCV000524086.8), dbSNP rs1554669297, ClinGen allele CA658796942.

ClinVar aggregate classification (germline): Pathogenic. Review status: criteria provided, multiple submitters, no conflicts (2 of 4 stars). 2 submissions from 2 submitters: Pathogenic (2). Last evaluated 2025-06-20.

Conditions:
Supravalvar aortic stenosis (SVAS). Also called: Supravalvar aortic stenosis, Eisenberg type. Identifiers: Orphanet 3193, MedGen C0003499, MONDO:0008504, OMIM 185500, HP:0004381.

Submissions (2):

GeneDx
Classification: Pathogenic. Last evaluated: 2025-06-20. Review status: criteria provided, single submitter. Criteria: GeneDx Variant Classification Process June 2021. Collection method: clinical testing. Allele origin: germline. Affected: yes.
Comment: Frameshift variant predicted to result in protein truncation or nonsense mediated decay in a gene for which loss of function is a known mechanism of disease; Not observed at significant frequency in large population cohorts (gnomAD); Has not been previously published as pathogenic or benign to our knowledge

Labcorp Genetics (formerly Invitae), Labcorp
Classification: Pathogenic for Supravalvar aortic stenosis. Last evaluated: 2023-02-28. Review status: criteria provided, single submitter. Criteria: Invitae Variant Classification Sherloc (09022015). Collection method: clinical testing. Allele origin: germline.
Comment: For these reasons, this variant has been classified as Pathogenic. ClinVar contains an entry for this variant (Variation ID: 524086). This variant has not been reported in the literature in individuals affected with ELN-related conditions. This variant is not present in population databases (gnomAD no frequency). This sequence change creates a premature translational stop signal (p.Ala99Cysfs*5) in the ELN gene. It is expected to result in an absent or disrupted protein product. Loss-of-function variants in ELN are known to be pathogenic (PMID: 11175284).

Literature cited by the submitters: PubMed 11175284 (cited by Labcorp Genetics (formerly Invitae), Labcorp).